The following is an entry in ClinVar:

NM_001348768.2(HECW2):c.3138A>G (p.Val1046=)

Gene: HECW2 (HECT, C2 and WW domain containing E3 ubiquitin protein ligase 2; minus strand). Cytogenetic location: 2q32.3.
Variant type: single nucleotide variant.
Coding change: c.3138A>G on transcript NM_001348768.2 (MANE Select); coding-DNA position 3138, A replaced by G.
Protein change: p.Val1046=; no amino-acid change (valine 1046 retained).
Molecular consequence: synonymous variant.
Genome position (GRCh38, 1-based): chr2:196,274,121, T>C on the plus strand (A>G on the coding strand, the complement: HECW2 is on the minus strand). VCF-style: chr2-196274121-T-C. GRCh37 (hg19) VCF-style: chr2-197138845-T-C.
Other names: c.2070A>G, p.Val690= (NM_001304840.3); c.3138A>G, p.Val1046= (NM_020760.4).
Identifiers: ClinVar variation 2651782 (VCV002651782.25), dbSNP rs758824243, ClinGen allele CA2037845.

ClinVar aggregate classification (germline): Conflicting classifications of pathogenicity. Review status: criteria provided, conflicting classifications (1 of 4 stars). 3 submissions from 3 submitters: Uncertain significance (1); Likely benign (2). Last evaluated 2025-05-27.

Allele frequency attached by ClinVar (database versions not stated): ExAC 0.00002; gnomAD exomes 0.00002; gnomAD 0.00003; TOPMed 0.00004.
gnomAD v4.1: 37 of 1,611,522 alleles (0.0023%); highest among the groups gnomAD compares: African/African-American, 0.004%; no homozygotes.

Submissions (3):

Women's Health and Genetics/Laboratory Corporation of America, LabCorp
Classification: Uncertain significance. Last evaluated: 2025-05-27. Review status: criteria provided, single submitter. Criteria: LabCorp Variant Classification Summary - May 2015. Collection method: clinical testing. Allele origin: germline.
Comment: Variant summary: HECW2 c.3138A>G (p.Val1046Val) alters a conserved nucleotide located close to a canonical splice site and therefore could affect mRNA splicing, leading to a significantly altered protein sequence. Consensus agreement among computation tools predict no significant impact on normal splicing. However, these predictions have yet to be confirmed by functional studies. The variant allele was found at a frequency of 2.4e-05 in 251012 control chromosomes (gnomAD). The available data on variant occurrences in the general population are insufficient to allow any conclusion about variant significance. To our knowledge, no occurrence of c.3138A>G in individuals affected with Neurodevelopmental Disorder With Hypotonia, Seizures, And Absent Language and no experimental evidence demonstrating its impact on protein function have been reported. ClinVar contains an entry for this variant (Variation ID: 2651782). Based on the evidence outlined above, the variant was classified as uncertain significance.

CeGaT Center for Human Genetics Tuebingen
Classification: Likely benign. Last evaluated: 2023-12-01. Review status: criteria provided, single submitter. Criteria: CeGaT Center For Human Genetics Tuebingen Variant Classification Criteria Version 2. Collection method: clinical testing. Allele origin: germline. Affected: yes. Observed: 2 variant alleles.
Comment: HECW2: BP4, BP7

Blueprint Genetics
Classification: Likely benign. Last evaluated: 2023-11-21. Review status: criteria provided, single submitter. Criteria: ACMG Guidelines, 2015. Collection method: clinical testing. Allele origin: germline.